The following is an entry in ClinVar:

NM_000395.3(CSF2RB):c.2641G>A (p.Asp881Asn)

Gene: CSF2RB (colony stimulating factor 2 receptor subunit beta; plus strand). Cytogenetic location: 22q12.3.
Variant type: single nucleotide variant.
Coding change: c.2641G>A on transcript NM_000395.3 (MANE Select); coding-DNA position 2641, G replaced by A.
Protein change: p.Asp881Asn; replaces aspartic acid 881 with asparagine.
Molecular consequence: missense variant.
Genome position (GRCh38, 1-based): chr22:36,938,449, G>A. VCF-style: chr22-36938449-G-A. GRCh37 (hg19) VCF-style: chr22-37334491-G-A.
Other names: c.2659G>A, p.Asp887Asn (NM_001410827.1); short protein forms D881N, D887N.
Identifiers: ClinVar variation 3614586 (VCV003614586.2).

ClinVar aggregate classification (germline): Uncertain significance (1 of 4 stars; one submission).

gnomAD v4.1: 18 of 1,614,148 alleles (0.0011%); highest among the groups gnomAD compares: Non-Finnish European, 0.0014%; no homozygotes.

Submission:

Labcorp Genetics (formerly Invitae), Labcorp
Classification: Uncertain significance. Last evaluated: 2024-04-20. Review status: criteria provided, single submitter. Criteria: Invitae Variant Classification Sherloc (09022015). Collection method: clinical testing. Allele origin: germline.
Comment: This sequence change replaces aspartic acid, which is acidic and polar, with asparagine, which is neutral and polar, at codon 881 of the CSF2RB protein (p.Asp881Asn). This variant is present in population databases (rs759066594, gnomAD 0.003%). This variant has not been reported in the literature in individuals affected with CSF2RB-related conditions. An algorithm developed to predict the effect of missense changes on protein structure and function (PolyPhen-2) suggests that this variant is likely to be disruptive. In summary, the available evidence is currently insufficient to determine the role of this variant in disease. Therefore, it has been classified as a Variant of Uncertain Significance.